The following is an entry in ClinVar:

ClinVar aggregate classification (germline): Uncertain significance. Review status: criteria provided, multiple submitters, no conflicts (2 of 4 stars). 2 submissions from 2 submitters: Uncertain significance (2). Last evaluated 2026-01-11.

Conditions:
Inborn genetic diseases. Identifiers: MedGen C0950123, MeSH D030342.

Allele frequency attached by ClinVar (database versions not stated): ExAC 0.00001.
gnomAD v4.1: 2 of 1,614,178 alleles (0.00012%); highest among the groups gnomAD compares: Admixed American, 0.0033%; no homozygotes.

Submissions (2):

Labcorp Genetics (formerly Invitae), Labcorp
Classification: Uncertain significance. Last evaluated: 2026-01-11. Review status: criteria provided, single submitter. Criteria: Invitae Variant Classification Sherloc (09022015). Collection method: clinical testing. Allele origin: germline.
Comment: This sequence change replaces glycine, which is neutral and non-polar, with aspartic acid, which is acidic and polar, at codon 727 of the DSG1 protein (p.Gly727Asp). This variant is present in population databases (rs751208754, gnomAD 0.006%). This variant has not been reported in the literature in individuals affected with DSG1-related conditions. ClinVar contains an entry for this variant (Variation ID: 3005286). Invitae Evidence Modeling of protein sequence and biophysical properties (such as structural, functional, and spatial information, amino acid conservation, physicochemical variation, residue mobility, and thermodynamic stability) indicates that this missense variant is not expected to disrupt DSG1 protein function with a negative predictive value of 80%. In summary, the available evidence is currently insufficient to determine the role of this variant in disease. Therefore, it has been classified as a Variant of Uncertain Significance.

Ambry Genetics
Classification: Uncertain significance for Inborn genetic diseases. Last evaluated: 2024-11-21. Review status: criteria provided, single submitter. Criteria: Ambry Variant Classification Scheme 2023. Collection method: clinical testing. Allele origin: germline.

NM_001942.4(DSG1):c.2180G>A (p.Gly727Asp)

Genes: DSG1 (desmoglein 1; plus strand), DSG1-AS1 (DSG1 antisense RNA 1; minus strand), LOC126862720 (MED14-independent group 3 enhancer GRCh37_chr18:28933613-28934812; plus strand). Cytogenetic location: 18q12.1.
Variant type: single nucleotide variant.
Coding change: c.2180G>A on transcript NM_001942.4 (MANE Select); coding-DNA position 2180, G replaced by A.
Protein change: p.Gly727Asp; replaces glycine 727 with aspartic acid.
Molecular consequence: missense variant. On other transcripts: non-coding transcript variant (1).
Genome position (GRCh38, 1-based): chr18:31,354,376, G>A. VCF-style: chr18-31354376-G-A. GRCh37 (hg19) VCF-style: chr18-28934339-G-A.
Other names: c.2180G>A (NM_001942.2); short protein forms G727D.
Identifiers: ClinVar variation 3005286 (VCV003005286.4), dbSNP rs751208754, ClinGen allele CA8926307.
Genomic context (GRCh38, chr18:31,354,376, plus strand): 5'-ATGAAGATGAAGGACGCCCATCTAATGACTGTTTGCTCATATATGACATCGAAGGTGTAG[G>A]TTCCCCTGCTGGCTCTGTGGGTTGTTGTAGCTTCATTGGAGAAGACCTGGATGACAGCTT-3'
Protein context (NP_001933.2, residues 717-737): CLLIYDIEGV[Gly727Asp]SPAGSVGCCS